The following is an entry in ClinVar:

NM_003667.4(LGR5):c.2341C>G (p.Pro781Ala)

Gene: LGR5 (leucine rich repeat containing G protein-coupled receptor 5; plus strand). Cytogenetic location: 12q21.1.
Variant type: single nucleotide variant.
Coding change: c.2341C>G on transcript NM_003667.4 (MANE Select); coding-DNA position 2341, C replaced by G.
Protein change: p.Pro781Ala; replaces proline 781 with alanine.
Molecular consequence: missense variant.
Genome position (GRCh38, 1-based): chr12:71,584,351, C>G. VCF-style: chr12-71584351-C-G. GRCh37 (hg19) VCF-style: chr12-71978131-C-G.
Other names: c.2269C>G, p.Pro757Ala (NM_001277226.2); c.2125C>G, p.Pro709Ala (NM_001277227.2); short protein forms P757A, P709A, P781A.
Identifiers: ClinVar variation 770987 (VCV000770987.27), dbSNP rs113809442, ClinGen allele CA6686653.

ClinVar aggregate classification (germline): Benign/Likely benign. Review status: criteria provided, multiple submitters, no conflicts (2 of 4 stars). 2 submissions from 2 submitters: Benign (1); Likely benign (1). Last evaluated 2023-01-01.

Allele frequency attached by ClinVar (database versions not stated): 1000 Genomes Project 30x 0.00156; 1000 Genomes Project 0.00200; TOPMed 0.00281; ESP Exome Variant Server 0.00292; ExAC 0.00648; gnomAD 0.00685 and 0.00718; gnomAD exomes 0.00694.
gnomAD v4.1: 8,840 of 1,614,180 alleles (0.55%); highest among the groups gnomAD compares: Non-Finnish European, 0.49%; 115 homozygotes.

Submissions (2):

CeGaT Center for Human Genetics Tuebingen
Classification: Likely benign. Last evaluated: 2023-01-01. Review status: criteria provided, single submitter. Criteria: CeGaT Center For Human Genetics Tuebingen Variant Classification Criteria Version 2. Collection method: clinical testing. Allele origin: germline. Affected: yes. Observed: 1 variant allele.
Comment: LGR5: BS2

Labcorp Genetics (formerly Invitae), Labcorp
Classification: Benign. Last evaluated: 2018-03-29. Review status: criteria provided, single submitter. Criteria: Invitae Variant Classification Sherloc (09022015). Collection method: clinical testing. Allele origin: germline.